The following is an entry in ClinVar:

ClinVar aggregate classification (germline): Uncertain significance. Review status: criteria provided, multiple submitters, no conflicts (2 of 4 stars). 4 submissions from 4 submitters: Uncertain significance (4). Last evaluated 2025-10-22.

Conditions:
Familial thoracic aortic aneurysm and aortic dissection (TAAD). Also called: Thoracic aortic aneurysms and dissections. Identifiers: Orphanet 91387, MedGen C4707243, MONDO:0019625.
Aortic aneurysm, familial thoracic 4 (AAT4). Also called: AORTIC ANEURYSM/AORTIC DISSECTION AND PATENT DUCTUS ARTERIOSUS. Identifiers: MedGen C1851504, MONDO:0007568, OMIM 132900.

Allele frequency attached by ClinVar (database versions not stated): ExAC 0.00001; gnomAD exomes 0.00001 and 0.00003; TOPMed 0.00001.
gnomAD v4.1: 43 of 1,610,084 alleles (0.0027%); highest among the groups gnomAD compares: Non-Finnish European, 0.0036%; no homozygotes.

Submissions (4):

Labcorp Genetics (formerly Invitae), Labcorp
Classification: Uncertain significance for Aortic aneurysm, familial thoracic 4. Last evaluated: 2025-10-22. Review status: criteria provided, single submitter. Criteria: Invitae Variant Classification Sherloc (09022015). Collection method: clinical testing. Allele origin: germline.
Comment: This sequence change replaces glutamine, which is neutral and polar, with lysine, which is basic and polar, at codon 1941 of the MYH11 protein (p.Gln1941Lys). This variant is present in population databases (rs765457680, gnomAD 0.002%). This variant has not been reported in the literature in individuals affected with MYH11-related conditions. ClinVar contains an entry for this variant (Variation ID: 238264). An algorithm developed to predict the effect of missense changes on protein structure and function (PolyPhen-2) suggests that this variant is likely to be tolerated. In summary, the available evidence is currently insufficient to determine the role of this variant in disease. Therefore, it has been classified as a Variant of Uncertain Significance.

All of Us Research Program, National Institutes of Health
Classification: Uncertain significance for Familial thoracic aortic aneurysm and aortic dissection. Last evaluated: 2024-07-20. Review status: criteria provided, single submitter. Criteria: ACMG Guidelines, 2015. Collection method: clinical testing. Allele origin: germline. Inheritance: Autosomal dominant inheritance. Observed: 10 variant alleles, 10 heterozygotes.
Comment: This missense variant replaces glutamine with lysine at codon 1941 of the MYH11 protein. Computational prediction suggests that this variant may not impact protein structure and function (internally defined REVEL score threshold <= 0.5, PMID: 27666373). To our knowledge, functional studies have not been reported for this variant. This variant has not been reported in individuals affected with cardiovascular disorders in the literature. This variant has been identified in 2/243400 chromosomes in the general population by the Genome Aggregation Database (gnomAD). The available evidence is insufficient to determine the role of this variant in disease conclusively. Therefore, this variant is classified as a Variant of Uncertain Significance.

This study involves interpretation of variants in research participants for the purpose of population health screening. Participant phenotype was not available at the time of variant classification. Additional details can be found in publication PMID: 35346344, PMCID: PMC8962531

Color Diagnostics, LLC DBA Color Health
Classification: Uncertain significance for Familial thoracic aortic aneurysm and aortic dissection. Last evaluated: 2024-07-03. Review status: criteria provided, single submitter. Criteria: ACMG Guidelines, 2015. Collection method: clinical testing. Allele origin: germline.
Comment: This missense variant replaces glutamine with lysine at codon 1941 of the MYH11 protein. Computational prediction tools indicate that this variant has a neutral impact on protein structure and function. To our knowledge, functional studies have not been reported for this variant. This variant has not been reported in individuals affected with MYH11-related disorders in the literature. This variant has been identified in 2/243400 chromosomes in the general population by the Genome Aggregation Database (gnomAD). The available evidence is insufficient to determine the role of this variant in disease conclusively. Therefore, this variant is classified as a Variant of Uncertain Significance.

GeneDx
Classification: Uncertain significance. Last evaluated: 2022-12-01. Review status: criteria provided, single submitter. Criteria: GeneDx Variant Classification Process June 2021. Collection method: clinical testing. Allele origin: germline. Affected: yes.
Comment: Has not been previously published as pathogenic or benign to our knowledge; Not observed at significant frequency in large population cohorts (gnomAD); In silico analysis supports that this missense variant does not alter protein structure/function

NM_001040113.2(MYH11):c.5821C>A (p.Gln1941Lys)

Genes: MYH11 (myosin heavy chain 11; minus strand), NDE1 (nudE neurodevelopment protein 1; plus strand). Cytogenetic location: 16p13.11.
Variant type: single nucleotide variant.
Coding change: c.5821C>A on transcript NM_001040113.2 (MANE Plus Clinical); coding-DNA position 5821, C replaced by A.
Protein change: p.Gln1941Lys; replaces glutamine 1941 with lysine.
Molecular consequence: missense variant. On other transcripts: intron variant (4).
Genome position (GRCh38, 1-based): chr16:15,708,828, G>T on the plus strand (C>A on the coding strand, the complement: MYH11 is on the minus strand). VCF-style: chr16-15708828-G-T. GRCh37 (hg19) VCF-style: chr16-15802685-G-T.
Other names: c.5800C>A, p.Gln1934Lys (NM_022844.3); c.947+11968G>T (NM_001143979.2, NM_017668.3); c.5787-4705C>A (NM_002474.3); c.5808-4705C>A (NM_001040114.2); short protein forms Q1941K, Q1934K.
Identifiers: ClinVar variation 238264 (VCV000238264.14), dbSNP rs765457680, ClinGen allele CA7921101.